The following is an entry in ClinVar:

NM_000080.4(CHRNE):c.*437G>C

Gene: CHRNE (cholinergic receptor nicotinic epsilon subunit; minus strand). Cytogenetic location: 17p13.2.
Variant type: single nucleotide variant.
Coding change: c.*437G>C on transcript NM_000080.4 (MANE Select); 437 bases downstream of the stop codon, G replaced by C.
Molecular consequence: 3 prime UTR variant.
Genome position (GRCh38, 1-based): chr17:4,898,299, C>G on the plus strand (G>C on the coding strand, the complement: CHRNE is on the minus strand). VCF-style: chr17-4898299-C-G. GRCh37 (hg19) VCF-style: chr17-4801594-C-G.
Other names: c.*437G>C (LRG_1254t1).
Identifiers: ClinVar variation 323966 (VCV000323966.6), dbSNP rs3514, ClinGen allele CA10650458.

ClinVar aggregate classification (germline): Benign. Review status: criteria provided, multiple submitters, no conflicts (2 of 4 stars). 2 submissions from 2 submitters: Benign (2). Last evaluated 2018-01-13.

Conditions:
Congenital myasthenic syndrome (CMS). Also called: Congenital Myasthenic Syndromes. Identifiers: Orphanet 590, MedGen C0751882, MeSH D020294, MONDO:0018940.

Allele frequency attached by ClinVar (database versions not stated): gnomAD exomes 0.14039; gnomAD 0.18950 and 0.19221; TOPMed 0.19974; 1000 Genomes Project 0.20048; 1000 Genomes Project 30x 0.20159.
gnomAD v4.1: 46,324 of 276,544 alleles (17%); highest among the groups gnomAD compares: African/African-American, 30%; 4,570 homozygotes.

Submissions (2):

Illumina Laboratory Services, Illumina
Classification: Benign for Congenital myasthenic syndrome. Last evaluated: 2018-01-13. Review status: criteria provided, single submitter. Criteria: ICSL Variant Classification Criteria 13 December 2019. Collection method: clinical testing. Allele origin: germline.
Comment: This variant was observed in the ICSL laboratory as part of a predisposition screen in an ostensibly healthy population. It had not been previously curated by ICSL or reported in the Human Gene Mutation Database (HGMD: prior to June 1st, 2018), and was therefore a candidate for classification through an automated scoring system. Utilizing variant allele frequency, disease prevalence and penetrance estimates, and inheritance mode, an automated score was calculated to assess if this variant is too frequent to cause the disease. Based on the score and internal cut-off values, a variant classified as benign is not then subjected to further curation. The score for this variant resulted in a classification of benign for this disease.

Breakthrough Genomics
Classification: Benign. Review status: criteria provided, single submitter. Criteria: ACMG Guidelines, 2015. Collection method: not provided. Allele origin: germline. Inheritance: Autosomal recessive inheritance. Affected: yes.